The following is an entry in ClinVar:

NM_000057.4(BLM):c.743T>C (p.Ile248Thr)

Gene: BLM (BLM RecQ like helicase; plus strand). Cytogenetic location: 15q26.1.
Variant type: single nucleotide variant.
Coding change: c.743T>C on transcript NM_000057.4 (MANE Select); coding-DNA position 743, T replaced by C.
Protein change: p.Ile248Thr; replaces isoleucine 248 with threonine.
Molecular consequence: missense variant. On other transcripts: 5 prime UTR variant (1).
Genome position (GRCh38, 1-based): chr15:90,750,011, T>C. VCF-style: chr15-90750011-T-C. GRCh37 (hg19) VCF-style: chr15-91293241-T-C.
Other names: c.743T>C, p.Ile248Thr (NM_001287246.2, NM_001287247.2); c.-549T>C (NM_001287248.2); short protein forms I248T.
Identifiers: ClinVar variation 1758932 (VCV001758932.4), dbSNP rs1319055340, ClinGen allele CA393841459.

ClinVar aggregate classification (germline): Uncertain significance. Review status: criteria provided, multiple submitters, no conflicts (2 of 4 stars). 2 submissions from 2 submitters: Uncertain significance (2). Last evaluated 2024-02-25.

Conditions:
Hereditary cancer-predisposing syndrome. Also called: Neoplastic Syndromes, Hereditary; Tumor predisposition; Hereditary Cancer Syndrome; Hereditary neoplastic syndrome. Identifiers: Orphanet 140162, MedGen C0027672, MeSH D009386, MONDO:0015356.
Bloom syndrome (BLM). Also called: Bloom-Torre-Machacek syndrome. Identifiers: Orphanet 125, MedGen C0005859, MONDO:0008876, OMIM 210900.

Allele frequency attached by ClinVar (database versions not stated): gnomAD exomes below 0.00001; TOPMed 0.00001.
gnomAD v4.1: 2 of 1,614,222 alleles (0.00012%); highest among the groups gnomAD compares: African/African-American, 0.0013%; no homozygotes.

Submissions (2):

Ambry Genetics
Classification: Uncertain significance for Hereditary cancer-predisposing syndrome. Last evaluated: 2024-02-25. Review status: criteria provided, single submitter. Criteria: Ambry Variant Classification Scheme 2023. Collection method: clinical testing. Allele origin: germline.
Comment: The p.I248T variant (also known as c.743T>C), located in coding exon 2 of the BLM gene, results from a T to C substitution at nucleotide position 743. The isoleucine at codon 248 is replaced by threonine, an amino acid with similar properties. This amino acid position is conserved. In addition, this alteration is predicted to be tolerated by in silico analysis. Since supporting evidence is limited at this time, the clinical significance of this alteration remains unclear.

Labcorp Genetics (formerly Invitae), Labcorp
Classification: Uncertain significance for Bloom syndrome. Last evaluated: 2022-03-02. Review status: criteria provided, single submitter. Criteria: Invitae Variant Classification Sherloc (09022015). Collection method: clinical testing. Allele origin: germline.
Comment: This sequence change replaces isoleucine, which is neutral and non-polar, with threonine, which is neutral and polar, at codon 248 of the BLM protein (p.Ile248Thr). This variant is present in population databases (no rsID available, gnomAD 0.007%). This variant has not been reported in the literature in individuals affected with BLM-related conditions. Algorithms developed to predict the effect of missense changes on protein structure and function output the following: SIFT: "Tolerated"; PolyPhen-2: "Benign"; Align-GVGD: "Class C0". The threonine amino acid residue is found in multiple mammalian species, which suggests that this missense change does not adversely affect protein function. In summary, the available evidence is currently insufficient to determine the role of this variant in disease. Therefore, it has been classified as a Variant of Uncertain Significance.